The following is an entry in ClinVar:

ClinVar aggregate classification (germline): Pathogenic (1 of 4 stars; one submission).

Conditions:
Pyruvate dehydrogenase E3 deficiency (DLDD). Also called: Dihydrolipoamide Dehydrogenase (E3) Deficiency; Dihydrolipoamide Dehydrogenase E3 Deficiency; Lipoamide dehydrogenase deficiency, lactic acidosis due to; DLD DEFICIENCY; E3 DEFICIENCY; Lipoamide dehydrogenase deficiency. Identifiers: Orphanet 2394, Orphanet 765, MedGen C5574660, MONDO:0009529, OMIM 246900.

Submission:

Labcorp Genetics (formerly Invitae), Labcorp
Classification: Pathogenic for Pyruvate dehydrogenase E3 deficiency. Last evaluated: 2024-01-04. Review status: criteria provided, single submitter. Criteria: Invitae Variant Classification Sherloc (09022015). Collection method: clinical testing. Allele origin: germline.
Comment: This sequence change creates a premature translational stop signal (p.Lys271Asnfs*4) in the DLD gene. It is expected to result in an absent or disrupted protein product. Loss-of-function variants in DLD are known to be pathogenic (PMID: 8968745, 9934985). This variant is not present in population databases (gnomAD no frequency). This variant has not been reported in the literature in individuals affected with DLD-related conditions. For these reasons, this variant has been classified as Pathogenic.

Literature cited by the submitters: PubMed 8968745; PubMed 9934985.

NM_000108.5(DLD):c.813del (p.Lys271fs)

Gene: DLD (dihydrolipoamide dehydrogenase; plus strand). Cytogenetic location: 7q31.1.
Variant type: Deletion.
Coding change: c.813del on transcript NM_000108.5 (MANE Select); coding-DNA position 813, one base deleted (A; older notation c.813delA).
Protein change: p.Lys271fs; shifts the reading frame from lysine 271.
Molecular consequence: frameshift variant.
Genome position (GRCh38, 1-based): chr7:107,915,634, A deleted; the last of 3 consecutive A bases (chr7:107,915,632-107,915,634); deleting any one gives the same sequence. VCF-style (leftmost placement, unchanged base first): chr7-107915631-TA-T. GRCh37 (hg19) VCF-style: chr7-107556076-TA-T.
Other names: c.516del, p.Lys172fs (NM_001289750.1); c.744del, p.Lys248fs (NM_001289751.1); c.669del, p.Lys223fs (NM_001289752.1); short protein forms K248fs, K172fs, K223fs, K271fs.
Identifiers: ClinVar variation 2707325 (VCV002707325.3), dbSNP rs2535598793, ClinGen allele CA2697557535.